The following is an entry in ClinVar:

NM_005228.5(EGFR):c.1320C>G (p.Val440=)

Gene: EGFR (epidermal growth factor receptor; plus strand). Cytogenetic location: 7p11.2.
Variant type: single nucleotide variant.
Coding change: c.1320C>G on transcript NM_005228.5 (MANE Select); coding-DNA position 1320, C replaced by G.
Protein change: p.Val440=; no amino-acid change (valine 440 retained).
Molecular consequence: synonymous variant.
Genome position (GRCh38, 1-based): chr7:55,160,160, C>G. VCF-style: chr7-55160160-C-G. GRCh37 (hg19) VCF-style: chr7-55227853-C-G.
Other names: c.1320C>G (NM_005228.3); c.1185C>G, p.Val395= (NM_001346897.2, NM_001346899.2); c.1320C>G, p.Val440= (NM_001346898.2, NM_201282.2, NM_201284.2); c.1161C>G, p.Val387= (NM_001346900.2); c.519C>G, p.Val173= (NM_001346941.2).
Identifiers: ClinVar variation 1102814 (VCV001102814.10), dbSNP rs761495014, ClinGen allele CA158917057.

ClinVar aggregate classification (germline): Conflicting classifications of pathogenicity. Review status: criteria provided, conflicting classifications (1 of 4 stars). 2 submissions from 2 submitters: Uncertain significance (1); Likely benign (1). Last evaluated 2025-11-10.

Conditions:
Hereditary cancer-predisposing syndrome. Also called: Tumor predisposition; Neoplastic Syndromes, Hereditary; Hereditary Cancer Syndrome; Hereditary neoplastic syndrome. Identifiers: Orphanet 140162, MedGen C0027672, MeSH D009386, MONDO:0015356.
EGFR-related lung cancer (EGFR). Identifiers: MedGen CN130014.

gnomAD v4.1: 11 of 1,614,128 alleles (0.00068%); highest among the groups gnomAD compares: Non-Finnish European, 0.00093%; no homozygotes.

Submissions (2):

Labcorp Genetics (formerly Invitae), Labcorp
Classification: Likely benign for EGFR-related lung cancer. Last evaluated: 2025-11-10. Review status: criteria provided, single submitter. Criteria: Invitae Variant Classification Sherloc (09022015). Collection method: clinical testing. Allele origin: germline.

Ambry Genetics
Classification: Uncertain significance for Hereditary cancer-predisposing syndrome. Last evaluated: 2025-05-27. Review status: criteria provided, single submitter. Criteria: Ambry Variant Classification Scheme 2023. Collection method: clinical testing. Allele origin: germline.
Comment: The c.1320C>G variant (also known as p.V440V), located in coding exon 12 of the EGFR gene, results from a C to G substitution at nucleotide position 1320. This nucleotide substitution does not change the valine at codon 440. This nucleotide position is poorly conserved in available vertebrate species. In silico splice site analysis for this alteration is inconclusive. Based on the available evidence, the clinical significance of this variant remains unclear.